The following is an entry in ClinVar:

ClinVar aggregate classification (germline): Benign/Likely benign. Review status: criteria provided, multiple submitters, no conflicts (2 of 4 stars). 3 submissions from 3 submitters: Benign (1); Likely benign (2). Last evaluated 2026-05-22.

Conditions:
Hereditary cancer-predisposing syndrome. Also called: Neoplastic Syndromes, Hereditary; Tumor predisposition; Hereditary neoplastic syndrome; Hereditary Cancer Syndrome. Identifiers: Orphanet 140162, MedGen C0027672, MeSH D009386, MONDO:0015356.
Cardiovascular phenotype. Identifiers: MedGen CN230736.
Neurofibromatosis, type 1 (NF1). Also called: Neurofibromatosis, type I; NEUROFIBROMATOSIS, TYPE I, SOMATIC; Peripheral type neurofibromatosis; VON RECKLINGHAUSEN DISEASE. Identifiers: Orphanet 636, MedGen C0027831, MONDO:0018975, OMIM 162200. Disease mechanism: loss of function.

Allele frequency attached by ClinVar (database versions not stated): gnomAD exomes below 0.00001.
gnomAD v4.1: 1 of 1,614,140 alleles (0.000062%); highest among the groups gnomAD compares: Middle Eastern, 0.016%; no homozygotes.

Submissions (3):

Myriad Genetics, Inc.
Classification: Benign for Neurofibromatosis, type 1. Last evaluated: 2026-05-22. Review status: criteria provided, single submitter. Criteria: Myriad Autosomal Dominant, Autosomal Recessive and X-Linked Classification Criteria (2023). Collection method: clinical testing. Allele origin: unknown.
Comment: This variant is considered benign. This variant is a silent/synonymous amino acid change and it is not expected to impact splicing.

Labcorp Genetics (formerly Invitae), Labcorp
Classification: Likely benign for Neurofibromatosis, type 1. Last evaluated: 2025-12-09. Review status: criteria provided, single submitter. Criteria: Invitae Variant Classification Sherloc (09022015). Collection method: clinical testing. Allele origin: germline.

Ambry Genetics
Classification: Likely benign for Cardiovascular phenotype; Hereditary cancer-predisposing syndrome. Last evaluated: 2020-12-13. Review status: criteria provided, single submitter. Criteria: Ambry Variant Classification Scheme 2023. Collection method: clinical testing. Allele origin: germline.

NM_001042492.3(NF1):c.8232T>C (p.Pro2744=)

Gene: NF1 (neurofibromin 1; plus strand). Cytogenetic location: 17q11.2.
Variant type: single nucleotide variant.
Coding change: c.8232T>C on transcript NM_001042492.3 (MANE Select); coding-DNA position 8232, T replaced by C.
Protein change: p.Pro2744=; no amino-acid change (proline 2744 retained).
Molecular consequence: synonymous variant.
Genome position (GRCh38, 1-based): chr17:31,360,558, T>C. VCF-style: chr17-31360558-T-C. GRCh37 (hg19) VCF-style: chr17-29687576-T-C.
Other names: c.8169T>C, p.Pro2723= (NM_000267.4).
Identifiers: ClinVar variation 1762251 (VCV001762251.5), dbSNP rs2508842994, ClinGen allele CA499348830.